The following is an entry in ClinVar:

NM_003482.4(KMT2D):c.5124_5125del (p.Arg1709fs)

Gene: KMT2D (lysine methyltransferase 2D; minus strand). Cytogenetic location: 12q13.12.
Variant type: Microsatellite.
Coding change: c.5124_5125del on transcript NM_003482.4 (MANE Select); coding-DNA positions 5124 to 5125, 2 bases deleted (AC; older notation c.5124_5125delAC).
Protein change: p.Arg1709fs; shifts the reading frame from arginine 1709.
Molecular consequence: frameshift variant.
Genome position (GRCh38, 1-based): chr12:49,044,263-49,044,264, GT deleted on the plus strand (AC on the coding strand, the reverse complement: KMT2D is on the minus strand); deleting any 2 consecutive bases within chr12:49,044,263-49,044,269 gives the same sequence; the c. name uses the placement nearest the transcript's 3' end. VCF-style (leftmost placement, unchanged base first): chr12-49044262-CGT-C. GRCh37 (hg19) VCF-style: chr12-49438045-CGT-C.
Other names: c.5124_5125del (NM_003482.3); short protein forms R1709fs.
Identifiers: ClinVar variation 286876 (VCV000286876.16), dbSNP rs886043506, ClinGen allele CA10605600.

ClinVar aggregate classification (germline): Pathogenic/Likely pathogenic. Review status: criteria provided, multiple submitters, no conflicts (2 of 4 stars). 7 submissions from 7 submitters: Pathogenic (5); Likely pathogenic (2). Last evaluated 2025-05-01.

Conditions:
KMT2D-related disorder. Also called: KMT2D-Related Disorders.
Kabuki syndrome 1 (KABUK1). Also called: KMT2D-Related Kabuki Syndrome. Identifiers: Orphanet 2322, MedGen CN030661, MONDO:0007843, OMIM 147920.
Inborn genetic diseases. Identifiers: MedGen C0950123, MeSH D030342.

Submissions (7):

Ambry Genetics
Classification: Pathogenic for Inborn genetic diseases. Last evaluated: 2025-05-01. Review status: criteria provided, single submitter. Criteria: Ambry Variant Classification Scheme 2023. Collection method: clinical testing. Allele origin: germline.
Comment: The c.5124_5125delAC (p.R1709Hfs*25) alteration, located in coding exon 21 of the KMT2D gene, consists of a deletion of 2 nucleotides from position 5124 to 5125, causing a translational frameshift with a predicted alternate stop codon after 25 amino acids. This alteration is expected to result in loss of function by premature protein truncation or nonsense-mediated mRNA decay. This variant was not reported in population-based cohorts in the Genome Aggregation Database (gnomAD). This variant has been reported in individuals with features consistent with KMT2D-related Kabuki syndrome; in at least one individual, it was determined to be de novo (Banka, 2012; Sobreira, 2017; Wigby, 2023; Slaba, 2024; Ambry internal data). Based on the available evidence, this alteration is classified as pathogenic.

Laboratorio de Genetica e Diagnostico Molecular, Hospital Israelita Albert Einstein
Classification: Pathogenic for Kabuki syndrome 1. Last evaluated: 2022-01-27. Review status: criteria provided, single submitter. Criteria: ACMG Guidelines, 2015. Collection method: clinical testing. Allele origin: germline. Affected: yes.
Comment: ACMG classification criteria: PVS1 very strong, PS4 supporting, PM2 moderate

Blueprint Genetics
Classification: Likely pathogenic for KMT2D-related disorders. Last evaluated: 2020-12-08. Review status: criteria provided, single submitter. Criteria: ACMG Guidelines, 2015. Collection method: clinical testing. Allele origin: germline. Affected: yes. Observed: 1 variant allele.

Athena Diagnostics
Classification: Pathogenic. Last evaluated: 2020-09-11. Review status: criteria provided, single submitter. Criteria: Athena Diagnostics Criteria. Collection method: clinical testing. Allele origin: unknown.
Comment: This variant has not been reported in large, multi-ethnic general populations. This observation is not an independent occurrence and has been identified in the same individual by RCIGM, the other laboratory participating in the GEMINI study.

Centre for Mendelian Genomics, University Medical Centre Ljubljana
Classification: Pathogenic for Kabuki syndrome 1. Last evaluated: 2020-01-30. Review status: criteria provided, single submitter. Criteria: ACMG Guidelines, 2015. Collection method: clinical testing. Allele origin: unknown. Affected: yes.
Comment: This variant was classified as: Pathogenic. The following ACMG criteria were applied in classifying this variant: PVS1,PM2,PP5.

Eurofins Ntd Llc (ga)
Classification: Pathogenic. Last evaluated: 2016-03-11. Review status: criteria provided, single submitter. Criteria: EGL Classification Definitions 2015. Collection method: clinical testing. Allele origin: germline. Observed: 1 variant allele, 1 heterozygote.

Baylor-Hopkins Center for Mendelian Genomics, Johns Hopkins University School of Medicine
Classification: Likely pathogenic for Kabuki syndrome 1. Review status: criteria provided, single submitter. Criteria: ACMG Guidelines, 2015. Collection method: research. Allele origin: unknown. Affected: yes. Observed: 1 variant allele.

Literature cited by the submitters: PubMed 22126750 (cited by Ambry Genetics); PubMed 29255178 (cited by Ambry Genetics and Baylor-Hopkins Center for Mendelian Genomics, Johns Hopkins University School of Medicine); PubMed 36651673 (cited by Ambry Genetics); PubMed 39567597 (cited by Ambry Genetics).